The following is an entry in ClinVar:

Conditions:
Long QT syndrome 5 (LQT5). Identifiers: Orphanet 101016, Orphanet 768, MedGen C1867904, MONDO:0013372, OMIM 613695.

Submission:

Roden Lab, Vanderbilt University Medical Center
No classification provided (evidence only). Condition: Long QT syndrome 5. Review status: no classification provided. Collection method: in vitro. Allele origin: not applicable. Functional consequence: Effect on ion channel function.
ClinVar note: "not provided" was previously submitted as the classification for the variant. However, the classification appeared to be based only on an observation of functional data so it was converted to no classification on 2025-07-30.

NM_000219.6(KCNE1):c.243C>A (p.Tyr81Ter)

Gene: KCNE1 (potassium voltage-gated channel subfamily E regulatory subunit 1; minus strand). Cytogenetic location: 21q22.12.
Variant type: single nucleotide variant.
Coding change: c.243C>A on transcript NM_000219.6 (MANE Select); coding-DNA position 243, C replaced by A.
Protein change: p.Tyr81Ter; replaces tyrosine 81 with a stop codon.
Molecular consequence: nonsense.
Genome position (GRCh38, 1-based): chr21:34,449,392, G>T on the plus strand (C>A on the coding strand, the complement: KCNE1 is on the minus strand). VCF-style: chr21-34449392-G-T. GRCh37 (hg19) VCF-style: chr21-35821690-G-T.
Other names: c.243C>A, p.Tyr81Ter (NM_001127668.4, NM_001127669.4, NM_001127670.4 and 4 more transcripts); short protein forms Y81*.
Identifiers: ClinVar variation 3374420 (VCV003374420.2).